The following is an entry in ClinVar:

NM_017780.4(CHD7):c.2373G>T (p.Gln791His)

Gene: CHD7 (chromodomain helicase DNA binding protein 7; plus strand). Cytogenetic location: 8q12.2.
Variant type: single nucleotide variant.
Coding change: c.2373G>T on transcript NM_017780.4 (MANE Select); coding-DNA position 2373, G replaced by T.
Protein change: p.Gln791His; replaces glutamine 791 with histidine.
Molecular consequence: missense variant. On other transcripts: intron variant (1).
Genome position (GRCh38, 1-based): chr8:60,800,522, G>T. VCF-style: chr8-60800522-G-T. GRCh37 (hg19) VCF-style: chr8-61713081-G-T.
Other names: c.1716+19472G>T (NM_001316690.1); short protein forms Q791H.
Identifiers: ClinVar variation 3641103 (VCV003641103.3).
Genomic context (GRCh38, chr8:60,800,522, plus strand): 5'-GGCAGATGATGCAGATGCTGCTGGGAGGGATTCCCCCTCCAACACCTCCCAGTCAGAACA[G>T]CAGGTTAGTACCAGATCTGTGGGATTTATGGATGCATTTTAAAGATGGACTAGAAATTTC-3'
Protein context (NP_060250.2, residues 781-801): DSPSNTSQSE[Gln791His]QESVDAEGPV

ClinVar aggregate classification (germline): Uncertain significance. Review status: criteria provided, multiple submitters, no conflicts (2 of 4 stars). 2 submissions from 2 submitters: Uncertain significance (2). Last evaluated 2025-08-04.

Conditions:
CHARGE syndrome (CHARGE). Also called: Hittner Hirsch Kreh syndrome; CHARGE ASSOCIATION--COLOBOMA, HEART ANOMALY, CHOANAL ATRESIA, RETARDATION, GENITAL AND EAR ANOMALIES; Coloboma, heart anomaly, choanal atresia, retardation, genital and ear anomalies; CHARGE association; Hall-Hittner syndrome. Identifiers: Orphanet 138, MedGen C0265354, MONDO:0008965.

gnomAD v4.1: 15 of 1,612,620 alleles (0.00093%); highest among the groups gnomAD compares: Non-Finnish European, 0.0012%; no homozygotes.

Submissions (2):

Labcorp Genetics (formerly Invitae), Labcorp
Classification: Uncertain significance for CHARGE syndrome. Last evaluated: 2025-08-04. Review status: criteria provided, single submitter. Criteria: Invitae Variant Classification Sherloc (09022015). Collection method: clinical testing. Allele origin: germline.
Comment: This sequence change replaces glutamine, which is neutral and polar, with histidine, which is basic and polar, at codon 791 of the CHD7 protein (p.Gln791His). This variant is not present in population databases (gnomAD no frequency). This variant has not been reported in the literature in individuals affected with CHD7-related conditions. ClinVar contains an entry for this variant (Variation ID: 3641103). Invitae Evidence Modeling of protein sequence and biophysical properties (such as structural, functional, and spatial information, amino acid conservation, physicochemical variation, residue mobility, and thermodynamic stability) indicates that this missense variant is not expected to disrupt CHD7 protein function with a negative predictive value of 80%. In summary, the available evidence is currently insufficient to determine the role of this variant in disease. Therefore, it has been classified as a Variant of Uncertain Significance.

GeneDx
Classification: Uncertain significance. Last evaluated: 2025-03-27. Review status: criteria provided, single submitter. Criteria: GeneDx Variant Classification Process June 2021. Collection method: clinical testing. Allele origin: germline. Affected: yes.
Comment: Not observed at significant frequency in large population cohorts (gnomAD); In silico analysis indicates that this missense variant does not alter protein structure/function; Has not been previously published as pathogenic or benign to our knowledge